The following is an entry in ClinVar:

NM_021957.4(GYS2):c.891T>G (p.His297Gln)

Gene: GYS2 (glycogen synthase 2; minus strand). Cytogenetic location: 12p12.1.
Variant type: single nucleotide variant.
Coding change: c.891T>G on transcript NM_021957.4 (MANE Select); coding-DNA position 891, T replaced by G.
Protein change: p.His297Gln; replaces histidine 297 with glutamine.
Molecular consequence: missense variant.
Genome position (GRCh38, 1-based): chr12:21,563,278, A>C on the plus strand (T>G on the coding strand, the complement: GYS2 is on the minus strand). VCF-style: chr12-21563278-A-C. GRCh37 (hg19) VCF-style: chr12-21716212-A-C.
Other names: short protein forms H297Q.
Identifiers: ClinVar variation 2246485 (VCV002246485.3), dbSNP rs770616190, ClinGen allele CA6480062.

ClinVar aggregate classification (germline): Uncertain significance. Review status: criteria provided, single submitter (1 of 4 stars). 2 submissions from 2 submitters: Uncertain significance (1). 1 of the submissions does not count toward it. Last evaluated 2021-08-17.

Conditions:
GYS2-related disorder. Also called: GYS2-related condition.
Inborn genetic diseases. Identifiers: MedGen C0950123, MeSH D030342.

Allele frequency attached by ClinVar (database versions not stated): ExAC 0.00002.
gnomAD v4.1: 1 of 1,612,774 alleles (0.000062%); highest among the groups gnomAD compares: Non-Finnish European, 0.000085%; no homozygotes.

Submissions (2):

Ambry Genetics
Classification: Uncertain significance for Inborn genetic diseases. Last evaluated: 2021-08-17. Review status: criteria provided, single submitter. Criteria: Ambry Variant Classification Scheme 2023. Collection method: clinical testing. Allele origin: germline.

PreventionGenetics, part of Exact Sciences
Classification: Uncertain significance for GYS2-related condition. Last evaluated: 2024-08-15. Review status: no assertion criteria provided. Collection method: clinical testing. Allele origin: germline. Not counted in ClinVar's aggregate classification.
Comment: The GYS2 c.891T>G variant is predicted to result in the amino acid substitution p.His297Gln. To our knowledge, this variant has not been reported in the literature. This variant is reported in 0.0029% of alleles in individuals of Latino descent in gnomAD. At this time, the clinical significance of this variant is uncertain due to the absence of conclusive functional and genetic evidence.